The following is an entry in ClinVar:

ClinVar aggregate classification (germline): Uncertain significance (1 of 4 stars; one submission).

Conditions:
Macular corneal dystrophy (MCD). Also called: GROENOUW TYPE II CORNEAL DYSTROPHY; Macular corneal dystrophy Type I. Identifiers: Orphanet 98969, MedGen C1636149, MONDO:0009020, OMIM 217800.

gnomAD v4.1: 3 of 1,612,880 alleles (0.00019%); highest among the groups gnomAD compares: East Asian, 0.0045%; no homozygotes.

Submission:

Labcorp Genetics (formerly Invitae), Labcorp
Classification: Uncertain significance for Macular corneal dystrophy. Last evaluated: 2022-08-16. Review status: criteria provided, single submitter. Criteria: Invitae Variant Classification Sherloc (09022015). Collection method: clinical testing. Allele origin: germline.
Comment: In summary, the available evidence is currently insufficient to determine the role of this variant in disease. Therefore, it has been classified as a Variant of Uncertain Significance. Algorithms developed to predict the effect of missense changes on protein structure and function are either unavailable or do not agree on the potential impact of this missense change (SIFT: "Deleterious"; PolyPhen-2: "Probably Damaging"; Align-GVGD: "Class C0"). ClinVar contains an entry for this variant (Variation ID: 1359144). This variant has not been reported in the literature in individuals affected with CHST6-related conditions. This variant is present in population databases (rs745598168, gnomAD 0.01%). This sequence change replaces alanine, which is neutral and non-polar, with threonine, which is neutral and polar, at codon 134 of the CHST6 protein (p.Ala134Thr).

NM_021615.5(CHST6):c.400G>A (p.Ala134Thr)

Gene: CHST6 (carbohydrate sulfotransferase 6; minus strand). Cytogenetic location: 16q23.1.
Variant type: single nucleotide variant.
Coding change: c.400G>A on transcript NM_021615.5 (MANE Select); coding-DNA position 400, G replaced by A.
Protein change: p.Ala134Thr; replaces alanine 134 with threonine.
Molecular consequence: missense variant.
Genome position (GRCh38, 1-based): chr16:75,479,429, C>T on the plus strand (G>A on the coding strand, the complement: CHST6 is on the minus strand). VCF-style: chr16-75479429-C-T. GRCh37 (hg19) VCF-style: chr16-75513327-C-T.
Other names: short protein forms A134T.
Identifiers: ClinVar variation 1359144 (VCV001359144.8), dbSNP rs745598168, ClinGen allele CA8175509.